The following is an entry in ClinVar:

NM_001378120.1(MBD5):c.513G>T (p.Met171Ile)

Gene: MBD5 (methyl-CpG binding domain protein 5; plus strand). Cytogenetic location: 2q23.1.
Variant type: single nucleotide variant.
Coding change: c.513G>T on transcript NM_001378120.1 (MANE Select); coding-DNA position 513, G replaced by T.
Protein change: p.Met171Ile; replaces methionine 171 with isoleucine.
Molecular consequence: missense variant.
Genome position (GRCh38, 1-based): chr2:148,468,456, G>T. VCF-style: chr2-148468456-G-T. GRCh37 (hg19) VCF-style: chr2-149226025-G-T.
Other names: c.513G>T, p.Met171Ile (NM_001438859.1, NM_001438860.1, NM_001438861.1 and 7 more transcripts); short protein forms M171I.
Identifiers: ClinVar variation 4740573 (VCV004740573.1).
Genomic context (GRCh38, chr2:148,468,456, plus strand): 5'-GTCTCATGAAGGAATTACAAATTCTGTAATGCCTGAATGTAAGAATCCTTTCAAGTTAAT[G>T]ATTGGATCATCAAATGCCATGGGAAGGCTATATGTACAAGAACTGCCTGGAAGCCAACAA-3'
Protein context (NP_001365049.1, residues 161-181): MPECKNPFKL[Met171Ile]IGSSNAMGRL

ClinVar aggregate classification (germline): Uncertain significance (1 of 4 stars; one submission).

Conditions:
Intellectual developmental disorder, autosomal dominant 1. Also called: MBD5 Haploinsufficiency; Intellectual disability, autosomal dominant 1. Identifiers: Orphanet 228402, MedGen C1969562, MONDO:0007974, OMIM 156200.

Submission:

Labcorp Genetics (formerly Invitae), Labcorp
Classification: Uncertain significance for Intellectual developmental disorder, autosomal dominant 1. Last evaluated: 2025-12-10. Review status: criteria provided, single submitter. Criteria: Invitae Variant Classification Sherloc (09022015). Collection method: clinical testing. Allele origin: germline.
Comment: This sequence change replaces methionine, which is neutral and non-polar, with isoleucine, which is neutral and non-polar, at codon 171 of the MBD5 protein (p.Met171Ile). This variant is not present in population databases (gnomAD no frequency). This variant has not been reported in the literature in individuals affected with MBD5-related conditions. Invitae Evidence Modeling of protein sequence and biophysical properties (such as structural, functional, and spatial information, amino acid conservation, physicochemical variation, residue mobility, and thermodynamic stability) indicates that this missense variant is not expected to disrupt MBD5 protein function with a negative predictive value of 80%. In summary, the available evidence is currently insufficient to determine the role of this variant in disease. Therefore, it has been classified as a Variant of Uncertain Significance.